The following is an entry in ClinVar:

NM_177550.5(SLC13A5):c.369-14C>T

Gene: SLC13A5 (solute carrier family 13 member 5; minus strand). Cytogenetic location: 17p13.1.
Variant type: single nucleotide variant.
Coding change: c.369-14C>T on transcript NM_177550.5 (MANE Select); 14 bases into the intron before coding-DNA position 369, C replaced by T.
Molecular consequence: intron variant.
Genome position (GRCh38, 1-based): chr17:6,704,070, G>A on the plus strand (C>T on the coding strand, the complement: SLC13A5 is on the minus strand). VCF-style: chr17-6704070-G-A. GRCh37 (hg19) VCF-style: chr17-6607389-G-A.
Other names: c.240-14C>T (NM_001284510.2); c.369-65C>T (NM_001284509.2); c.369-14C>T (NM_001143838.3).
Identifiers: ClinVar variation 382737 (VCV000382737.13), dbSNP rs218677, ClinGen allele CA8331728.

ClinVar aggregate classification (germline): Benign. Review status: criteria provided, multiple submitters, no conflicts (2 of 4 stars). 4 submissions from 4 submitters: Benign (4). Last evaluated 2026-02-03.

Conditions:
Developmental and epileptic encephalopathy, 25 (DEE25). Also called: Developmental and epileptic encephalopathy 25, with amelogenesis imperfecta; Epileptic encephalopathy, early infantile, 25, with amelogenesis imperfecta; Epileptic encephalopathy, early infantile, 25. Identifiers: Orphanet 442835, MedGen C4014621, MONDO:0014392, OMIM 615905.

Allele frequency attached by ClinVar (database versions not stated): 1000 Genomes Project 0.01577; 1000 Genomes Project 30x 0.01608; gnomAD 0.02396; TOPMed 0.02633; ESP Exome Variant Server 0.02683; gnomAD exomes 0.02773 and 0.03645; ExAC 0.03758.
gnomAD v4.1: 56,740 of 1,605,404 alleles (3.5%); highest among the groups gnomAD compares: Non-Finnish European, 4.1%; 1,180 homozygotes.

Submissions (4):

Labcorp Genetics (formerly Invitae), Labcorp
Classification: Benign for Developmental and epileptic encephalopathy, 25. Last evaluated: 2026-02-03. Review status: criteria provided, single submitter. Criteria: Invitae Variant Classification Sherloc (09022015). Collection method: clinical testing. Allele origin: germline.

Genome-Nilou Lab
Classification: Benign for Developmental and epileptic encephalopathy, 25. Last evaluated: 2021-07-15. Review status: criteria provided, single submitter. Criteria: ACMG Guidelines, 2015. Collection method: clinical testing. Allele origin: germline. Affected: no.

GeneDx
Classification: Benign. Last evaluated: 2016-01-18. Review status: criteria provided, single submitter. Criteria: GeneDx Variant Classification (06012015). Collection method: clinical testing. Allele origin: germline. Affected: yes.
Comment: This variant is considered likely benign or benign based on one or more of the following criteria: it is a conservative change, it occurs at a poorly conserved position in the protein, it is predicted to be benign by multiple in silico algorithms, and/or has population frequency not consistent with disease.

Breakthrough Genomics
Classification: Benign. Review status: criteria provided, single submitter. Criteria: ACMG Guidelines, 2015. Collection method: not provided. Allele origin: germline. Inheritance: Autosomal recessive inheritance. Affected: yes.